The following is an entry in ClinVar:

ClinVar aggregate classification (germline): Uncertain significance. Review status: criteria provided, multiple submitters, no conflicts (2 of 4 stars). 8 submissions from 8 submitters: Uncertain significance (8). Last evaluated 2026-07-30.

Conditions:
Inborn genetic diseases. Identifiers: MedGen C0950123, MeSH D030342.
LITAF-related disorder. Also called: LITAF-related condition.
Charcot-Marie-Tooth disease. Also called: Charcot-Marie-Tooth Hereditary Neuropathy; Charcot-Marie-Tooth Neuropathy. Identifiers: Orphanet 166, MedGen C0007959, MONDO:0015626.
Charcot-Marie-Tooth disease type 1C. Also called: CHARCOT-MARIE-TOOTH NEUROPATHY, TYPE 1C; NEUROPATHY, HEREDITARY MOTOR AND SENSORY, TYPE IC; Charcot-Marie-Tooth disease, type IC; CHARCOT-MARIE-TOOTH DISEASE, DEMYELINATING, TYPE 1C; CMT, SLOW NERVE CONDUCTION TYPE C; HMSN IC. Identifiers: Orphanet 101083, MedGen C0270913, MONDO:0010995, OMIM 601098.

Allele frequency attached by ClinVar (database versions not stated): gnomAD exomes 0.00001 and 0.00002; gnomAD 0.00002; TOPMed 0.00002.
gnomAD v4.1: 15 of 1,612,364 alleles (0.00093%); highest among the groups gnomAD compares: Admixed American, 0.0017%; no homozygotes.

Submissions (8):

PreventionGenetics, part of Exact Sciences
Classification: Uncertain significance for LITAF-related condition. Last evaluated: 2026-07-30. Review status: criteria provided, single submitter. Criteria: ACMG Guidelines, 2015. Collection method: clinical testing. Allele origin: germline.
Comment: The LITAF c.479G>A variant is predicted to result in the amino acid substitution p.Arg160His. This variant was reported in an individual with Charcot-Marie-Tooth disease, type 1C (Peddareddygari and Grewal. 2023. PubMed ID: 37868241). This variant is reported in 0.0057% of alleles in individuals of Latino descent in gnomAD. At this time, the clinical significance of this variant is uncertain due to the absence of conclusive functional and genetic evidence.

Labcorp Genetics (formerly Invitae), Labcorp
Classification: Uncertain significance for Charcot-Marie-Tooth disease type 1C. Last evaluated: 2026-01-28. Review status: criteria provided, single submitter. Criteria: Invitae Variant Classification Sherloc (09022015). Collection method: clinical testing. Allele origin: germline.
Comment: This sequence change replaces arginine, which is basic and polar, with histidine, which is basic and polar, at codon 160 of the LITAF protein (p.Arg160His). This variant is present in population databases (no rsID available, gnomAD 0.006%). This missense change has been observed in individuals with clinical features of LITAF-related conditions (PMID: 37868241; internal data). This missense change has been observed in at least one individual who was not affected with LITAF-related conditions (internal data). ClinVar contains an entry for this variant (Variation ID: 221090). An algorithm developed to predict the effect of missense changes on protein structure and function (PolyPhen-2) suggests that this variant is likely to be disruptive. This variant disrupts the p.Arg160 amino acid residue in LITAF. Other variant(s) that disrupt this residue have been determined to be pathogenic (PMID: 28211240, 32376792; internal data). This suggests that this residue is clinically significant, and that variants that disrupt this residue are likely to be disease-causing. In summary, the available evidence is currently insufficient to determine the role of this variant in disease. Therefore, it has been classified as a Variant of Uncertain Significance.

Women's Health and Genetics/Laboratory Corporation of America, LabCorp
Classification: Uncertain significance. Last evaluated: 2025-08-05. Review status: criteria provided, single submitter. Criteria: LabCorp Variant Classification Summary - May 2015. Collection method: clinical testing. Allele origin: germline.
Comment: Variant summary: LITAF c.479G>A (p.Arg160His) results in a non-conservative amino acid change located in the LPS-induced tumour necrosis factor alpha factor (IPR006629) of the encoded protein sequence. Algorithms developed to predict the effect of missense changes on protein structure and function all suggest that this variant is likely to be disruptive. The variant allele was found at a frequency of 1.6e-05 in 249474 control chromosomes. c.479G>A has been reported in the literature in individuals affected with clinical features of Charcot-Marie-Tooth disease type 1C (e.g., Peddareddygari_2023, Internal data) as well as at least one individual not affected with clinical features of Charcot-Marie-Tooth disease type 1C (Internal data). These data do not allow any conclusion about variant significance. To our knowledge, no experimental evidence demonstrating an impact on protein function has been reported. A different variant affecting the same codon (c.478C>T, p.Arg160Cys) has been classified as Likely pathogenic/Pathogenic in ClinVar, suggesting a critical role of codon 160 to LITAF protein function. The following publications has been ascertained in the context of this evaluation (PMID: 37868241). ClinVar contains an entry for this variant (Variation ID: 221090). Based on the evidence outlined above, the variant was classified as VUS-possibly pathogenic.

Blueprint Genetics
Classification: Uncertain significance. Last evaluated: 2024-05-31. Review status: criteria provided, single submitter. Criteria: ACMG Guidelines, 2015. Collection method: clinical testing. Allele origin: germline.

CeGaT Center for Human Genetics Tuebingen
Classification: Uncertain significance. Last evaluated: 2022-06-01. Review status: criteria provided, single submitter. Criteria: CeGaT Center For Human Genetics Tuebingen Variant Classification Criteria Version 2. Collection method: clinical testing. Allele origin: germline. Affected: yes. Observed: 1 variant allele.

GeneDx
Classification: Uncertain significance. Last evaluated: 2020-12-02. Review status: criteria provided, single submitter. Criteria: GeneDx Variant Classification Process June 2021. Collection method: clinical testing. Allele origin: germline. Affected: yes.
Comment: In silico analysis, which includes protein predictors and evolutionary conservation, supports a deleterious effect; Has not been previously published as pathogenic or benign to our knowledge

Ambry Genetics
Classification: Uncertain significance for Inborn genetic diseases. Last evaluated: 2019-11-27. Review status: criteria provided, single submitter. Criteria: Ambry Variant Classification Scheme 2023. Collection method: clinical testing. Allele origin: germline.
Comment: The p.R160H variant (also known as c.479G>A), located in coding exon 3 of the LITAF gene, results from a G to A substitution at nucleotide position 479. The arginine at codon 160 is replaced by histidine, an amino acid with highly similar properties. This amino acid position is highly conserved in available vertebrate species. In addition, the in silico prediction for this alteration is inconclusive. Since supporting evidence is limited at this time, the clinical significance of this alteration remains unclear.

Molecular Genetics Laboratory, London Health Sciences Centre
Classification: Uncertain significance for Charcot-Marie-Tooth disease. Review status: criteria provided, single submitter. Criteria: ACMG Guidelines, 2015. Collection method: clinical testing. Allele origin: germline. Affected: yes.

Literature cited by the submitters: PubMed 37868241 (cited by Labcorp Genetics (formerly Invitae), Labcorp and Women's Health and Genetics/Laboratory Corporation of America, LabCorp); PubMed 28211240 (cited by Labcorp Genetics (formerly Invitae), Labcorp); PubMed 32376792 (cited by Labcorp Genetics (formerly Invitae), Labcorp).

NM_001136472.2(LITAF):c.479G>A (p.Arg160His)

Gene: LITAF (lipopolysaccharide induced TNF factor; minus strand). Cytogenetic location: 16p13.13.
Variant type: single nucleotide variant.
Coding change: c.479G>A on transcript NM_001136472.2 (MANE Select); coding-DNA position 479, G replaced by A.
Protein change: p.Arg160His; replaces arginine 160 with histidine.
Molecular consequence: missense variant. On other transcripts: 3 prime UTR variant (1), non-coding transcript variant (1).
Genome position (GRCh38, 1-based): chr16:11,549,644, C>T on the plus strand (G>A on the coding strand, the complement: LITAF is on the minus strand). VCF-style: chr16-11549644-C-T. GRCh37 (hg19) VCF-style: chr16-11643500-C-T.
Other names: c.*118G>A (NM_001136473.1); c.479G>A, p.Arg160His (NM_004862.4); short protein forms R160H.
Identifiers: ClinVar variation 221090 (VCV000221090.43), dbSNP rs864622744, ClinGen allele CA348293.